The following is an entry in ClinVar:

NM_001384900.1(SEMA3D):c.881G>A (p.Arg294His)

Gene: SEMA3D (semaphorin 3D; minus strand). Cytogenetic location: 7q21.11.
Variant type: single nucleotide variant.
Coding change: c.881G>A on transcript NM_001384900.1 (MANE Select); coding-DNA position 881, G replaced by A.
Protein change: p.Arg294His; replaces arginine 294 with histidine.
Molecular consequence: missense variant.
Genome position (GRCh38, 1-based): chr7:85,042,266, C>T on the plus strand (G>A on the coding strand, the complement: SEMA3D is on the minus strand). VCF-style: chr7-85042266-C-T. GRCh37 (hg19) VCF-style: chr7-84671582-C-T.
Other names: c.881G>A, p.Arg294His (NM_001384901.1, NM_001384902.1, NM_001384903.1 and 1 more transcripts); short protein forms R294H.
Identifiers: ClinVar variation 4989010 (VCV004989010.1).
Genomic context (GRCh38, chr7:85,042,266, plus strand): 5'-CCAGGAATTGAGCAAATCAGTCTGGCCTTAAGAAAAGTCGTCCACTTGTTTATCAGGCTG[C>T]GTTGTCCTCCTACATCATTCTGACATGAAAAAAAAAATAAAGATAAATATTTATCAACAC-3'
Protein context (NP_001371829.1, residues 284-304): RVCKNDVGGQ[Arg294His]SLINKWTTFL

ClinVar aggregate classification (germline): Uncertain significance (1 of 4 stars; one submission).

Conditions:
SEMA3D-related disorder. Also called: SEMA3D-related condition.

gnomAD v4.1: 14 of 1,610,172 alleles (0.00087%); highest among the groups gnomAD compares: Non-Finnish European, 0.0012%; no homozygotes.

Submission:

PreventionGenetics, part of Exact Sciences
Classification: Uncertain significance for SEMA3D-related condition. Last evaluated: 2025-10-22. Review status: criteria provided, single submitter. Criteria: ACMG Guidelines, 2015. Collection method: clinical testing. Allele origin: germline.
Comment: The SEMA3D c.881G>A variant is predicted to result in the amino acid substitution p.Arg294His. To our knowledge, this variant has not been reported in the literature. This variant is reported in 0.0018% of alleles in individuals of European (Non-Finnish) descent in gnomAD. At this time, the clinical significance of this variant is uncertain due to the absence of conclusive functional and genetic evidence.